The following is an entry in ClinVar:

NM_004525.3(LRP2):c.8038G>A (p.Glu2680Lys)

Gene: LRP2 (LDL receptor related protein 2; minus strand). Cytogenetic location: 2q31.1.
Variant type: single nucleotide variant.
Coding change: c.8038G>A on transcript NM_004525.3 (MANE Select); coding-DNA position 8038, G replaced by A.
Protein change: p.Glu2680Lys; replaces glutamic acid 2680 with lysine.
Molecular consequence: missense variant.
Genome position (GRCh38, 1-based): chr2:169,202,927, C>T on the plus strand (G>A on the coding strand, the complement: LRP2 is on the minus strand). VCF-style: chr2-169202927-C-T. GRCh37 (hg19) VCF-style: chr2-170059437-C-T.
Other names: short protein forms E2680K.
Identifiers: ClinVar variation 1036659 (VCV001036659.7), dbSNP rs780081691, ClinGen allele CA1953944.
Genomic context (GRCh38, chr2:169,202,927, plus strand): 5'-ATCGTTCACCATTGTCCACAATGCAGTGCTTCCTGTTGTTGGCCAAATACCAGTTGCCCT[C>T]ATGTGGACACTGGCACTCGGCACCATTTGGACCTGAAGAAAGATAATCCCAGAAGAAGTA-3'
Protein context (NP_004516.2, residues 2670-2690): PNGAECQCPH[Glu2680Lys]GNWYLANNRK

ClinVar aggregate classification (germline): Uncertain significance (1 of 4 stars; one submission).

Allele frequency attached by ClinVar (database versions not stated): gnomAD exomes below 0.00001; ExAC 0.00001.
gnomAD v4.1: 1 of 1,614,208 alleles (0.000062%); highest among the groups gnomAD compares: Non-Finnish European, 0.000085%; no homozygotes.

Submission:

Labcorp Genetics (formerly Invitae), Labcorp
Classification: Uncertain significance. Last evaluated: 2022-03-10. Review status: criteria provided, single submitter. Criteria: Invitae Variant Classification Sherloc (09022015). Collection method: clinical testing. Allele origin: germline.
Comment: Advanced modeling of protein sequence and biophysical properties (such as structural, functional, and spatial information, amino acid conservation, physicochemical variation, residue mobility, and thermodynamic stability) performed at Invitae indicates that this missense variant is not expected to disrupt LRP2 protein function. This sequence change replaces glutamic acid, which is acidic and polar, with lysine, which is basic and polar, at codon 2680 of the LRP2 protein (p.Glu2680Lys). This variant is present in population databases (rs780081691, gnomAD 0.0009%). This variant has not been reported in the literature in individuals affected with LRP2-related conditions. ClinVar contains an entry for this variant (Variation ID: 1036659). In summary, the available evidence is currently insufficient to determine the role of this variant in disease. Therefore, it has been classified as a Variant of Uncertain Significance.